The following is an entry in ClinVar:

NM_000283.4(PDE6B):c.1604T>A (p.Ile535Asn)

Gene: PDE6B (phosphodiesterase 6B; plus strand). Cytogenetic location: 4p16.3.
Variant type: single nucleotide variant.
Coding change: c.1604T>A on transcript NM_000283.4 (MANE Select); coding-DNA position 1604, T replaced by A.
Protein change: p.Ile535Asn; replaces isoleucine 535 with asparagine.
Molecular consequence: missense variant.
Genome position (GRCh38, 1-based): chr4:660,603, T>A. VCF-style: chr4-660603-T-A. GRCh37 (hg19) VCF-style: chr4-654392-T-A.
Other names: c.1604T>A, p.Ile535Asn (NM_001145291.2); c.767T>A, p.Ile256Asn (NM_001145292.2, NM_001350154.3, NM_001379246.1 and 1 more transcripts); c.449T>A, p.Ile150Asn (NM_001350155.3); short protein forms I535N, I150N, I256N.
Identifiers: ClinVar variation 143067 (VCV000143067.14), dbSNP rs527236088, ClinGen allele CA270010.
Genomic context (GRCh38, chr4:660,603, plus strand): 5'-ACCTGGTCAAATGTGGCATCCAGATGTACTACGAGCTGGGCGTGGTCCGAAAGTTCCAGA[T>A]CCCCCAGGAGGTGGGAGACACCGCAGGGCGCATAGTCAGGTCCCTGAGGCCGCCCAGGAC-3'
Protein context (NP_000274.3, residues 525-545): YELGVVRKFQ[Ile535Asn]PQEVLVRFLF

ClinVar aggregate classification (germline): Pathogenic/Likely pathogenic. Review status: criteria provided, multiple submitters, no conflicts (2 of 4 stars). 6 submissions from 6 submitters: Pathogenic (4); Likely pathogenic (1). 1 of the submissions does not count toward it. Last evaluated 2024-11-21.

Conditions:
PDE6B-related disorder. Also called: PDE6B-related disease; PDE6B-related condition; PDE6B-related disorders.
Retinal dystrophy. Also called: Inherited retinal dystrophy. Identifiers: Orphanet 71862, MedGen C0854723, MeSH D058499, MONDO:0019118, HP:0000556.
Retinitis pigmentosa (RP). Identifiers: Orphanet 791, MedGen C0035334, MeSH D012174, MONDO:0019200, OMIM 268000. Inheritance: Autosomal dominant, autosomal recessive and X linked inheritance.
Retinitis pigmentosa 40 (RP40). Identifiers: Orphanet 791, MedGen C3151107, MONDO:0013429, OMIM 613801.

Allele frequency attached by ClinVar (database versions not stated): gnomAD exomes below 0.00001 and 0.00002; TOPMed below 0.00001; gnomAD 0.00001.
gnomAD v4.1: 10 of 1,613,276 alleles (0.00062%); highest among the groups gnomAD compares: East Asian, 0.022%; no homozygotes.

Submissions (6):

PreventionGenetics, part of Exact Sciences
Classification: Likely pathogenic for PDE6B-related condition. Last evaluated: 2024-11-21. Review status: criteria provided, single submitter. Criteria: ACMG Guidelines, 2015. Collection method: clinical testing. Allele origin: germline.
Comment: The PDE6B c.1604T>A variant is predicted to result in the amino acid substitution p.Ile535Asn. This variant has been reported in the homozygous and compound heterozygous state in individuals with retinitis pigmentosa (see for examples: Saga et al. 1998. PubMed ID: 9543643; Table S8, Koyanagi et al. 2019. PubMed ID: 31213501; Table S1, Ma et al. 2021. PubMed ID: 33691693). This variant is present in 0.0054% of alleles in individuals of East Asian descent in gnomAD. This variant is interpreted as likely pathogenic.

3billion
Classification: Pathogenic for Retinitis pigmentosa 40. Last evaluated: 2024-01-03. Review status: criteria provided, single submitter. Criteria: ACMG Guidelines, 2015. Collection method: clinical testing. Allele origin: germline. Affected: yes.
Comment: The variant is observed at an extremely low frequency in the gnomAD v2.1.1 dataset (total allele frequency: <0.001%). Predicted Consequence/Location: Missense variant In silico tool predictions suggest damaging effect of the variant on gene or gene product [REVEL: 0.82 (>=0.6, sensitivity 0.68 and specificity 0.92); 3Cnet: 0.96 (>=0.6, sensitivity 0.72 and precision 0.9)]. Same nucleotide change resulting in same amino acid change has been previously reported as pathogenic/likely pathogenic with strong evidence (ClinVar ID: VCV000143067 /PMID: 9543643 /3billion dataset). The variant has been reported to be in trans with a pathogenic variant as either compound heterozygous or homozygous in at least one similarly affected unrelated individual (PMID: 25827439, 26155838). The variant has been reported to co-segregate with the disease in at least one similarly affected relative/individual in the same family or similarly affected unrelated family (PMID: 25827439). Therefore, this variant is classified as Pathogenic according to the recommendation of ACMG/AMP guideline.

Dept Of Ophthalmology, Nagoya University
Classification: Pathogenic for Retinal dystrophy. Last evaluated: 2023-10-01. Review status: criteria provided, single submitter. Criteria: Submitter's publication. Collection method: research. Allele origin: germline. Affected: yes.

Labcorp Genetics (formerly Invitae), Labcorp
Classification: Pathogenic. Last evaluated: 2022-09-06. Review status: criteria provided, single submitter. Criteria: Invitae Variant Classification Sherloc (09022015). Collection method: clinical testing. Allele origin: germline.
Comment: This sequence change replaces isoleucine, which is neutral and non-polar, with asparagine, which is neutral and polar, at codon 535 of the PDE6B protein (p.Ile535Asn). This variant is present in population databases (rs527236088, gnomAD 0.006%). This missense change has been observed in individuals with autosomal recessive retinitis pigmentosa (PMID: 9543643, 25827439, 26155838). It has also been observed to segregate with disease in related individuals. This variant is also known as p.I256N. ClinVar contains an entry for this variant (Variation ID: 143067). Algorithms developed to predict the effect of missense changes on protein structure and function (SIFT, PolyPhen-2, Align-GVGD) all suggest that this variant is likely to be disruptive. For these reasons, this variant has been classified as Pathogenic.

Blueprint Genetics
Classification: Pathogenic for PDE6B-related disorders. Last evaluated: 2021-12-21. Review status: criteria provided, single submitter. Criteria: ACMG Guidelines, 2015. Collection method: clinical testing. Allele origin: germline. Affected: yes. Observed: 2 variant alleles.

Department of Ophthalmology and Visual Sciences Kyoto University
Classification: Pathogenic for Retinitis pigmentosa. Review status: no assertion criteria provided. Collection method: not provided. Allele origin: unknown. Not counted in ClinVar's aggregate classification.
ClinVar note: Converted during submission from pathogenic to Pathogenic.

Literature cited by the submitters: PubMed 26155838 (cited by 3billion and Labcorp Genetics (formerly Invitae), Labcorp); PubMed 25827439 (cited by 3billion and Labcorp Genetics (formerly Invitae), Labcorp); PubMed 9543643 (cited by 3billion and Labcorp Genetics (formerly Invitae), Labcorp).